The following is an entry in ClinVar:

NM_003070.5(SMARCA2):c.2877C>T (p.Pro959=)

Gene: SMARCA2 (SWI/SNF related BAF chromatin remodeling complex subunit ATPase 2; plus strand). Cytogenetic location: 9p24.3.
Variant type: single nucleotide variant.
Coding change: c.2877C>T on transcript NM_003070.5 (MANE Select); coding-DNA position 2877, C replaced by T.
Protein change: p.Pro959=; no amino-acid change (proline 959 retained).
Molecular consequence: synonymous variant.
Genome position (GRCh38, 1-based): chr9:2,088,607, C>T. VCF-style: chr9-2088607-C-T. GRCh37 (hg19) VCF-style: chr9-2088607-C-T.
Other names: c.2877C>T, p.Pro959= (NM_001289396.2, NM_139045.4); c.2703C>T, p.Pro901= (NM_001289397.2).
Identifiers: ClinVar variation 2184981 (VCV002184981.17), dbSNP rs776253499, ClinGen allele CA4963576.

ClinVar aggregate classification (germline): Likely benign. Review status: criteria provided, multiple submitters, no conflicts (2 of 4 stars). 2 submissions from 2 submitters: Likely benign (2). Last evaluated 2025-07-16.

Allele frequency attached by ClinVar (database versions not stated): gnomAD 0.00002; gnomAD exomes 0.00002; TOPMed 0.00002; ExAC 0.00003.
gnomAD v4.1: 37 of 1,581,928 alleles (0.0023%); highest among the groups gnomAD compares: Middle Eastern, 0.033%; no homozygotes.

Submissions (2):

Labcorp Genetics (formerly Invitae), Labcorp
Classification: Likely benign. Last evaluated: 2025-07-16. Review status: criteria provided, single submitter. Criteria: Invitae Variant Classification Sherloc (09022015). Collection method: clinical testing. Allele origin: germline.

CeGaT Center for Human Genetics Tuebingen
Classification: Likely benign. Last evaluated: 2024-12-01. Review status: criteria provided, single submitter. Criteria: CeGaT Center For Human Genetics Tuebingen Variant Classification Criteria Version 2. Collection method: clinical testing. Allele origin: germline. Affected: yes. Observed: 1 variant allele.
Comment: SMARCA2: BP4, BP7